The following is an entry in ClinVar:

ClinVar aggregate classification (germline): Benign (1 of 4 stars; one submission).

Allele frequency attached by ClinVar (database versions not stated): 1000 Genomes Project 30x 0.61540; 1000 Genomes Project 0.61981; TOPMed 0.70884; gnomAD 0.72950 and 0.73320.
gnomAD v4.1: 109,083 of 148,380 alleles (74%); highest among the groups gnomAD compares: Non-Finnish European, 90%; 43,342 homozygotes.

Submission:

GeneDx
Classification: Benign. Last evaluated: 2018-06-14. Review status: criteria provided, single submitter. Criteria: GeneDx Variant Classification (06012015). Collection method: clinical testing. Allele origin: germline. Affected: yes.
Comment: This variant is considered likely benign or benign based on one or more of the following criteria: it is a conservative change, it occurs at a poorly conserved position in the protein, it is predicted to be benign by multiple in silico algorithms, and/or has population frequency not consistent with disease.

NM_001130438.3(SPTAN1):c.2778+257G>A

Gene: SPTAN1 (spectrin alpha, non-erythrocytic 1; plus strand). Cytogenetic location: 9q34.11.
Variant type: single nucleotide variant.
Coding change: c.2778+257G>A on transcript NM_001130438.3 (MANE Select); 257 bases into the intron after coding-DNA position 2778, G replaced by A.
Molecular consequence: intron variant.
Genome position (GRCh38, 1-based): chr9:128,586,222, G>A. VCF-style: chr9-128586222-G-A. GRCh37 (hg19) VCF-style: chr9-131348501-G-A.
Other names: c.2778+257G>A (NM_001363759.2, NM_003127.4, NM_001363765.2 and 1 more transcripts).
Identifiers: ClinVar variation 680791 (VCV000680791.1), dbSNP rs10988049, ClinGen allele CA13108961.
Genomic context (GRCh38, chr9:128,586,222, plus strand): 5'-AGGCTGGACTGCAATGTTACAATTGTGGCTCACTGCAGCCTCAAACTCCTGGGCTCAAGC[G>A]ATCCTCCTGCCTCAGCCTCCCAAGTAGTTGGAACTATAGGCAGGTACCACTACCTGCCTA-3'